The following is an entry in ClinVar:

ClinVar aggregate classification (germline): Pathogenic (1 of 4 stars; one submission).

Conditions:
Alstrom syndrome (ALMS). Identifiers: Orphanet 64, MedGen C0268425, MONDO:0008763, OMIM 203800.

Submission:

Labcorp Genetics (formerly Invitae), Labcorp
Classification: Pathogenic for Alstrom syndrome. Last evaluated: 2023-06-11. Review status: criteria provided, single submitter. Criteria: Invitae Variant Classification Sherloc (09022015). Collection method: clinical testing. Allele origin: germline.
Comment: For these reasons, this variant has been classified as Pathogenic. ClinVar contains an entry for this variant (Variation ID: 1071882). This premature translational stop signal has been observed in individual(s) with Alstrom syndrom (PMID: 28432734). This variant is not present in population databases (gnomAD no frequency). This sequence change creates a premature translational stop signal (p.Ser1383Asnfs*19) in the ALMS1 gene. It is expected to result in an absent or disrupted protein product. Loss-of-function variants in ALMS1 are known to be pathogenic (PMID: 17594715).

Literature cited by the submitters: PubMed 28432734; PubMed 17594715.

NM_001378454.1(ALMS1):c.4144_4147del (p.Ser1382fs)

Gene: ALMS1 (ALMS1 centrosome and basal body associated protein; plus strand). Cytogenetic location: 2p13.1.
Variant type: Deletion.
Coding change: c.4144_4147del on transcript NM_001378454.1 (MANE Select); coding-DNA positions 4144 to 4147, 4 bases deleted (TCAC; older notation c.4144_4147delTCAC).
Protein change: p.Ser1382fs; shifts the reading frame from serine 1382.
Molecular consequence: frameshift variant.
Genome position (GRCh38, 1-based): chr2:73,450,671-73,450,674, TCAC deleted; deleting any 4 consecutive bases within chr2:73,450,669-73,450,674 gives the same sequence; the c. name uses the placement nearest the transcript's 3' end. VCF-style (leftmost placement, unchanged base first): chr2-73450668-TACTC-T. GRCh37 (hg19) VCF-style: chr2-73677795-TACTC-T.
Other names: c.4147_4150del, p.Ser1383fs (NM_015120.4); short protein forms S1382fs, S1383fs.
Identifiers: ClinVar variation 1071882 (VCV001071882.9), dbSNP rs2103781518, ClinGen allele CA2499216248.